The following is an entry in ClinVar:

NM_000361.3(THBD):c.1723C>T (p.Leu575Phe)

Gene: THBD (thrombomodulin; minus strand). Cytogenetic location: 20p11.21.
Variant type: single nucleotide variant.
Coding change: c.1723C>T on transcript NM_000361.3 (MANE Select); coding-DNA position 1723, C replaced by T.
Protein change: p.Leu575Phe; replaces leucine 575 with phenylalanine.
Molecular consequence: missense variant.
Genome position (GRCh38, 1-based): chr20:23,047,782, G>A on the plus strand (C>T on the coding strand, the complement: THBD is on the minus strand). VCF-style: chr20-23047782-G-A. GRCh37 (hg19) VCF-style: chr20-23028419-G-A.
Other names: short protein forms L575F.
Identifiers: ClinVar variation 4760078 (VCV004760078.1).
Genomic context (GRCh38, chr20:23,047,782, plus strand): 5'-GGGGGTGAGGAGGCACAGGCTCCTGGACGGAGCCAGGCTCCTGGACGGAGGCCGCTCAGA[G>A]TCTCTGCGGCGTCCGCTCGGTCCGCACGTGCTGCAGCACTACCTCCTTGGAAGGGGCCGC-3'
Protein context (NP_000352.1, residues 565-575): HVRTERTPQR[Leu575Phe]

ClinVar aggregate classification (germline): Uncertain significance (1 of 4 stars; one submission).

Submission:

Labcorp Genetics (formerly Invitae), Labcorp
Classification: Uncertain significance. Last evaluated: 2025-04-09. Review status: criteria provided, single submitter. Criteria: Invitae Variant Classification Sherloc (09022015). Collection method: clinical testing. Allele origin: germline.
Comment: This sequence change replaces leucine, which is neutral and non-polar, with phenylalanine, which is neutral and non-polar, at codon 575 of the THBD protein (p.Leu575Phe). This variant is not present in population databases (gnomAD no frequency). This variant has not been reported in the literature in individuals affected with THBD-related conditions. An algorithm developed to predict the effect of missense changes on protein structure and function outputs the following: PolyPhen-2: "Benign". The phenylalanine amino acid residue is found in multiple mammalian species, which suggests that this missense change does not adversely affect protein function. In summary, the available evidence is currently insufficient to determine the role of this variant in disease. Therefore, it has been classified as a Variant of Uncertain Significance.